The following is an entry in ClinVar:

NM_006739.4(MCM5):c.500G>A (p.Arg167His)

Gene: MCM5 (minichromosome maintenance complex component 5; plus strand). Cytogenetic location: 22q12.3.
Variant type: single nucleotide variant.
Coding change: c.500G>A on transcript NM_006739.4 (MANE Select); coding-DNA position 500, G replaced by A.
Protein change: p.Arg167His; replaces arginine 167 with histidine.
Molecular consequence: missense variant.
Genome position (GRCh38, 1-based): chr22:35,406,629, G>A. VCF-style: chr22-35406629-G-A. GRCh37 (hg19) VCF-style: chr22-35802622-G-A.
Other names: c.500G>A (NM_006739.3); short protein forms R167H.
Identifiers: ClinVar variation 2739292 (VCV002739292.4), dbSNP rs200021712, ClinGen allele CA10205056.

ClinVar aggregate classification (germline): Uncertain significance. Review status: criteria provided, multiple submitters, no conflicts (2 of 4 stars). 2 submissions from 2 submitters: Uncertain significance (2). Last evaluated 2025-12-01.

Allele frequency attached by ClinVar (database versions not stated): TOPMed 0.00003; ExAC 0.00004; gnomAD 0.00005; 1000 Genomes Project 30x 0.00016; 1000 Genomes Project 0.00020.
gnomAD v4.1: 171 of 1,613,074 alleles (0.011%); highest among the groups gnomAD compares: East Asian, 0.074%; no homozygotes.

Submissions (2):

Labcorp Genetics (formerly Invitae), Labcorp
Classification: Uncertain significance. Last evaluated: 2025-12-01. Review status: criteria provided, single submitter. Criteria: Invitae Variant Classification Sherloc (09022015). Collection method: clinical testing. Allele origin: germline.
Comment: This sequence change replaces arginine, which is basic and polar, with histidine, which is basic and polar, at codon 167 of the MCM5 protein (p.Arg167His). This variant is present in population databases (rs200021712, gnomAD 0.02%). This variant has not been reported in the literature in individuals affected with MCM5-related conditions. ClinVar contains an entry for this variant (Variation ID: 2739292). Invitae Evidence Modeling of protein sequence and biophysical properties (such as structural, functional, and spatial information, amino acid conservation, physicochemical variation, residue mobility, and thermodynamic stability) indicates that this missense variant is not expected to disrupt MCM5 protein function with a negative predictive value of 80%. In summary, the available evidence is currently insufficient to determine the role of this variant in disease. Therefore, it has been classified as a Variant of Uncertain Significance.

Ambry Genetics
Classification: Uncertain significance. Last evaluated: 2023-12-16. Review status: criteria provided, single submitter. Criteria: Ambry Variant Classification Scheme 2023. Collection method: clinical testing. Allele origin: germline.